The following is an entry in ClinVar:

NM_000108.5(DLD):c.*487C>T

Gene: DLD (dihydrolipoamide dehydrogenase; plus strand). Cytogenetic location: 7q31.1.
Variant type: single nucleotide variant.
Coding change: c.*487C>T on transcript NM_000108.5 (MANE Select); 487 bases downstream of the stop codon, C replaced by T.
Molecular consequence: 3 prime UTR variant.
Genome position (GRCh38, 1-based): chr7:107,919,746, C>T. VCF-style: chr7-107919746-C-T. GRCh37 (hg19) VCF-style: chr7-107560191-C-T.
Other names: c.*487C>T (NM_001289750.1, NM_001289751.1, NM_001289752.1).
Identifiers: ClinVar variation 358579 (VCV000358579.9), dbSNP rs4518, ClinGen allele CA10622971.

ClinVar aggregate classification (germline): Benign. Review status: criteria provided, multiple submitters, no conflicts (2 of 4 stars). 5 submissions from 3 submitters: Benign (5). Last evaluated 2021-05-11.

Conditions:
Pyruvate dehydrogenase E3 deficiency (DLDD). Also called: Lipoamide dehydrogenase deficiency, lactic acidosis due to; Lipoamide dehydrogenase deficiency; Dihydrolipoamide Dehydrogenase (E3) Deficiency; MAPLE SYRUP URINE DISEASE, TYPE III; DLD DEFICIENCY; E3 DEFICIENCY. Identifiers: Orphanet 2394, Orphanet 765, MedGen C5574660, MONDO:0009529, OMIM 246900.
Leigh syndrome (NULS). Also called: Subacute necrotizing encephalopathy; Necrotizing encephalopathy infantile subacute of Leigh; Leigh's syndrome; Leigh Disease; Leigh's necrotizing encephalopathy; Leigh's disease. Identifiers: Orphanet 506, MedGen C2931891, MONDO:0009723, OMIM 256000.
Pyruvate dehydrogenase complex deficiency (PDHC). Also called: Pyruvate dehydrogenase deficiency; Ataxia with lactic acidosis 1; PYRUVATE DECARBOXYLASE DEFICIENCY; PDH DEFICIENCY; Pyruvate Dehydrogenase Complex Deficiency Disease. Identifiers: Orphanet 765, Orphanet 79243, MedGen C0034345, MONDO:0019169.

Allele frequency attached by ClinVar (database versions not stated): gnomAD exomes 0.56337; gnomAD 0.66385 and 0.66588; TOPMed 0.67219; 1000 Genomes Project 0.71446; 1000 Genomes Project 30x 0.71658.

Submissions (5):

GeneDx
Classification: Benign. Last evaluated: 2021-05-11. Review status: criteria provided, single submitter. Criteria: GeneDx Variant Classification Process June 2021. Collection method: clinical testing. Allele origin: germline. Affected: yes.

Illumina Laboratory Services, Illumina
Classification: Benign for Pyruvate dehydrogenase complex deficiency. Last evaluated: 2018-01-13. Review status: criteria provided, single submitter. Criteria: ICSL Variant Classification Criteria 13 December 2019. Collection method: clinical testing. Allele origin: germline.
Comment: This variant was observed in the ICSL laboratory as part of a predisposition screen in an ostensibly healthy population. It had not been previously curated by ICSL or reported in the Human Gene Mutation Database (HGMD: prior to June 1st, 2018), and was therefore a candidate for classification through an automated scoring system. Utilizing variant allele frequency, disease prevalence and penetrance estimates, and inheritance mode, an automated score was calculated to assess if this variant is too frequent to cause the disease. Based on the score and internal cut-off values, a variant classified as benign is not then subjected to further curation. The score for this variant resulted in a classification of benign for this disease.

Illumina Laboratory Services, Illumina
Classification: Benign for Pyruvate dehydrogenase E3 deficiency. Last evaluated: 2018-01-13. Review status: criteria provided, single submitter. Criteria: ICSL Variant Classification Criteria 13 December 2019. Collection method: clinical testing. Allele origin: germline.
Comment: the same text as in the submission from Illumina Laboratory Services, Illumina above.

Illumina Laboratory Services, Illumina
Classification: Benign for Leigh syndrome. Last evaluated: 2018-01-13. Review status: criteria provided, single submitter. Criteria: ICSL Variant Classification Criteria 13 December 2019. Collection method: clinical testing. Allele origin: germline.
Comment: the same text as in the submission from Illumina Laboratory Services, Illumina above.

Breakthrough Genomics
Classification: Benign. Review status: criteria provided, single submitter. Criteria: ACMG Guidelines, 2015. Collection method: not provided. Allele origin: germline. Inheritance: Autosomal recessive inheritance. Affected: yes.